The following is an entry in ClinVar:

ClinVar aggregate classification (germline): Pathogenic (1 of 4 stars; one submission).

Conditions:
Fanconi anemia (FA). Also called: Fanconi's anemia. Identifiers: Orphanet 84, MedGen C0015625, MeSH D005199, MONDO:0019391.

Submission:

Labcorp Genetics (formerly Invitae), Labcorp
Classification: Pathogenic for Fanconi anemia. Last evaluated: 2023-04-06. Review status: criteria provided, single submitter. Criteria: Invitae Variant Classification Sherloc (09022015). Collection method: clinical testing. Allele origin: unknown.
Comment: For these reasons, this variant has been classified as Pathogenic. This variant has not been reported in the literature in individuals affected with FANCL-related conditions. This variant is a gross deletion of the genomic region encompassing exon(s) 4-5 of the FANCL gene. This deletion is out-of-frame, and is expected to create a premature termination codon and result in an absent or disrupted protein product. Loss-of-function variants in FANCL are known to be pathogenic (PMID: 19405097, 23613520).

Literature cited by the submitters: PubMed 19405097; PubMed 23613520.

NC_000002.11:g.(?_58449057)_(58453929_?)del

Gene: FANCL (FA complementation group L; minus strand). Cytogenetic location: 2p16.1.
Variant type: Deletion.
Identifiers: ClinVar variation 3247130 (VCV003247130.1).